The following is an entry in ClinVar:

ClinVar aggregate classification (germline): Uncertain significance (1 of 4 stars; one submission).

Submission:

GeneDx
Classification: Uncertain significance. Last evaluated: 2024-01-16. Review status: criteria provided, single submitter. Criteria: GeneDx Variant Classification Process June 2021. Collection method: clinical testing. Allele origin: germline. Affected: yes.
Comment: Not observed at significant frequency in large population cohorts (gnomAD); Has not been previously published as pathogenic or benign to our knowledge; Canonical splice site variant in a gene for which loss-of-function is not a known mechanism of disease

NM_012154.5(AGO2):c.451_518+29del

Gene: AGO2 (argonaute RISC catalytic component 2; minus strand). Cytogenetic location: 8q24.3.
Variant type: Deletion.
Coding change: c.451_518+29del on transcript NM_012154.5 (MANE Select); coding-DNA position 451 through 29 bases into the intron after coding-DNA position 518, 97 bases deleted.
Molecular consequence: splice donor variant.
Genome position (GRCh38, 1-based): chr8:140,562,424-140,562,520, 97 bases deleted. GRCh37 (hg19): chr8:141,572,530-141,572,626.
Other names: c.451_518+29del (NM_001164623.3).
Identifiers: ClinVar variation 3367871 (VCV003367871.1).